The following is an entry in ClinVar:

NC_000010.10:g.(?_50732059)_(50732843_?)del

Genes: ERCC6 (ERCC excision repair 6, chromatin remodeling factor; minus strand), PGBD3 (piggyBac transposable element derived 3; minus strand). Cytogenetic location: 10q11.23.
Variant type: Deletion.
Identifiers: ClinVar variation 3244928 (VCV003244928.1).

ClinVar aggregate classification (germline): Pathogenic (1 of 4 stars; one submission).

Submission:

Labcorp Genetics (formerly Invitae), Labcorp
Classification: Pathogenic. Last evaluated: 2022-12-31. Review status: criteria provided, single submitter. Criteria: Invitae Variant Classification Sherloc (09022015). Collection method: clinical testing. Allele origin: unknown.
Comment: For these reasons, this variant has been classified as Pathogenic. This variant has not been reported in the literature in individuals affected with ERCC6-related conditions. This variant is a gross deletion of the genomic region encompassing exon(s) 5 of the ERCC6 gene. This deletion is out-of-frame, and is expected to create a premature termination codon and result in an absent or disrupted protein product. Loss-of-function variants in ERCC6 are known to be pathogenic (PMID: 18628313, 29572252).

Literature cited by the submitters: PubMed 18628313; PubMed 29572252.